The following is an entry in ClinVar:

ClinVar aggregate classification (germline): Uncertain significance (1 of 4 stars; one submission).

Submission:

Labcorp Genetics (formerly Invitae), Labcorp
Classification: Uncertain significance. Last evaluated: 2020-10-21. Review status: criteria provided, single submitter. Criteria: Invitae Variant Classification Sherloc (09022015). Collection method: clinical testing. Allele origin: germline.
Comment: This variant is not present in population databases (ExAC no frequency). In summary, the available evidence is currently insufficient to determine the role of this variant in disease. Therefore, it has been classified as a Variant of Uncertain Significance. Nucleotide substitutions within the consensus splice site are a relatively common cause of aberrant splicing (PMID: 17576681, 9536098). Algorithms developed to predict the effect of sequence changes on RNA splicing suggest that this variant is not likely to affect RNA splicing, but this prediction has not been confirmed by published transcriptional studies. This variant has not been reported in the literature in individuals with CUL7-related conditions. This sequence change falls in intron 7 of the CUL7 gene. It does not directly change the encoded amino acid sequence of the CUL7 protein. It affects a nucleotide within the consensus splice site of the intron.

Literature cited by the submitters: PubMed 17576681; PubMed 9536098.

NM_014780.5(CUL7):c.1825+3G>A

Gene: CUL7 (cullin 7; minus strand). Cytogenetic location: 6p21.1.
Variant type: single nucleotide variant.
Coding change: c.1825+3G>A on transcript NM_014780.5 (MANE Select); 3 bases into the intron after coding-DNA position 1825, G replaced by A.
Molecular consequence: intron variant.
Genome position (GRCh38, 1-based): chr6:43,049,404, C>T on the plus strand (G>A on the coding strand, the complement: CUL7 is on the minus strand). VCF-style: chr6-43049404-C-T. GRCh37 (hg19) VCF-style: chr6-43017142-C-T.
Other names: c.1921+3G>A (NM_001168370.2, NM_001374872.1); c.1825+3G>A (NM_001374874.1, NM_001374873.1).
Identifiers: ClinVar variation 1060691 (VCV001060691.7), dbSNP rs2150331322, ClinGen allele CA2499218314.